The following is an entry in ClinVar:

ClinVar aggregate classification (germline): Uncertain significance (1 of 4 stars; one submission).

Conditions:
Adams-Oliver syndrome 5 (AOS5). Identifiers: Orphanet 974, MedGen C4014970, MONDO:0014459, OMIM 616028.

Submission:

Labcorp Genetics (formerly Invitae), Labcorp
Classification: Uncertain significance for Adams-Oliver syndrome 5. Last evaluated: 2022-02-24. Review status: criteria provided, single submitter. Criteria: Invitae Variant Classification Sherloc (09022015). Collection method: clinical testing. Allele origin: germline.
Comment: This sequence change replaces arginine, which is basic and polar, with serine, which is neutral and polar, at codon 1438 of the NOTCH1 protein (p.Arg1438Ser). This variant is not present in population databases (gnomAD no frequency). This variant has not been reported in the literature in individuals affected with NOTCH1-related conditions. ClinVar contains an entry for this variant (Variation ID: 1055377). Advanced modeling of protein sequence and biophysical properties (such as structural, functional, and spatial information, amino acid conservation, physicochemical variation, residue mobility, and thermodynamic stability) performed at Invitae indicates that this missense variant is not expected to disrupt NOTCH1 protein function. In summary, the available evidence is currently insufficient to determine the role of this variant in disease. Therefore, it has been classified as a Variant of Uncertain Significance.

NM_017617.5(NOTCH1):c.4312C>A (p.Arg1438Ser)

Gene: NOTCH1 (notch receptor 1; minus strand). Cytogenetic location: 9q34.3.
Variant type: single nucleotide variant.
Coding change: c.4312C>A on transcript NM_017617.5 (MANE Select); coding-DNA position 4312, C replaced by A.
Protein change: p.Arg1438Ser; replaces arginine 1438 with serine.
Molecular consequence: missense variant.
Genome position (GRCh38, 1-based): chr9:136,505,584, G>T on the plus strand (C>A on the coding strand, the complement: NOTCH1 is on the minus strand). VCF-style: chr9-136505584-G-T. GRCh37 (hg19) VCF-style: chr9-139400036-G-T.
Other names: short protein forms R1438S.
Identifiers: ClinVar variation 1055377 (VCV001055377.9), dbSNP rs746077264, ClinGen allele CA375648304.